The following is an entry in ClinVar:

ClinVar aggregate classification (germline): Uncertain significance. Review status: criteria provided, multiple submitters, no conflicts (2 of 4 stars). 3 submissions from 3 submitters: Uncertain significance (3). Last evaluated 2025-05-01.

Conditions:
Nemaline myopathy 6 (NEM6). Also called: Nemaline myopathy 6, autosomal dominant. Identifiers: Orphanet 171439, MedGen C1836472, MONDO:0012237, OMIM 609273.

Allele frequency attached by ClinVar (database versions not stated): gnomAD exomes 0.00001 and 0.00002; TOPMed 0.00001.
gnomAD v4.1: 12 of 1,538,658 alleles (0.00078%); highest among the groups gnomAD compares: Non-Finnish European, 0.00096%; no homozygotes.

Submissions (3):

Labcorp Genetics (formerly Invitae), Labcorp
Classification: Uncertain significance for Nemaline myopathy 6. Last evaluated: 2025-05-01. Review status: criteria provided, single submitter. Criteria: Invitae Variant Classification Sherloc (09022015). Collection method: clinical testing. Allele origin: germline.
Comment: This sequence change replaces glycine, which is neutral and non-polar, with aspartic acid, which is acidic and polar, at codon 4 of the KBTBD13 protein (p.Gly4Asp). The frequency data for this variant in the population databases is considered unreliable, as metrics indicate poor data quality at this position in the gnomAD database. This variant has not been reported in the literature in individuals affected with KBTBD13-related conditions. ClinVar contains an entry for this variant (Variation ID: 931119). An algorithm developed to predict the effect of missense changes on protein structure and function outputs the following: PolyPhen-2: "Benign". The aspartic acid amino acid residue is found in multiple mammalian species, which suggests that this missense change does not adversely affect protein function. In summary, the available evidence is currently insufficient to determine the role of this variant in disease. Therefore, it has been classified as a Variant of Uncertain Significance.

CeGaT Center for Human Genetics Tuebingen
Classification: Uncertain significance. Last evaluated: 2025-04-01. Review status: criteria provided, single submitter. Criteria: CeGaT Center For Human Genetics Tuebingen Variant Classification Criteria Version 2. Collection method: clinical testing. Allele origin: germline. Affected: yes. Observed: 1 variant allele.

Centre for Mendelian Genomics, University Medical Centre Ljubljana
Classification: Uncertain significance for Nemaline myopathy 6. Last evaluated: 2019-05-06. Review status: criteria provided, single submitter. Criteria: ACMG Guidelines, 2015. Collection method: clinical testing. Allele origin: unknown. Affected: yes.
Comment: This variant was classified as: Uncertain significance. The available evidence on this variant's pathogenicity is insufficient or conflicting. The following ACMG criteria were applied in classifying this variant: No criteria apply.

NM_001101362.3(KBTBD13):c.11G>A (p.Gly4Asp)

Gene: KBTBD13 (kelch repeat and BTB domain containing 13; plus strand). Cytogenetic location: 15q22.31.
Variant type: single nucleotide variant.
Coding change: c.11G>A on transcript NM_001101362.3 (MANE Select); coding-DNA position 11, G replaced by A.
Protein change: p.Gly4Asp; replaces glycine 4 with aspartic acid.
Molecular consequence: missense variant.
Genome position (GRCh38, 1-based): chr15:65,076,826, G>A. VCF-style: chr15-65076826-G-A. GRCh37 (hg19) VCF-style: chr15-65369164-G-A.
Other names: short protein forms G4D.
Identifiers: ClinVar variation 931119 (VCV000931119.14), dbSNP rs1228459718, ClinGen allele CA392855497.